The following is an entry in ClinVar:

ClinVar aggregate classification (germline): Uncertain significance (1 of 4 stars; one submission).

Conditions:
Myopathy, proximal, and ophthalmoplegia (CMYO6). Also called: CONGENITAL MYOPATHY 6 WITH OPHTHALMOPLEGIA; MYOPATHY WITH CONGENITAL JOINT CONTRACTURES, OPHTHALMOPLEGIA, AND RIMMED VACUOLES; INCLUSION BODY MYOPATHY 3, AUTOSOMAL DOMINANT. Identifiers: Orphanet 363677, Orphanet 79091, MedGen C1854106, MONDO:0011577, OMIM 605637.

Submission:

Labcorp Genetics (formerly Invitae), Labcorp
Classification: Uncertain significance for Myopathy, proximal, and ophthalmoplegia. Last evaluated: 2022-09-17. Review status: criteria provided, single submitter. Criteria: Invitae Variant Classification Sherloc (09022015). Collection method: clinical testing. Allele origin: germline.
Comment: This variant is not present in population databases (gnomAD no frequency). This sequence change replaces methionine, which is neutral and non-polar, with isoleucine, which is neutral and non-polar, at codon 1052 of the MYH2 protein (p.Met1052Ile). In summary, the available evidence is currently insufficient to determine the role of this variant in disease. Therefore, it has been classified as a Variant of Uncertain Significance. Advanced modeling of protein sequence and biophysical properties (such as structural, functional, and spatial information, amino acid conservation, physicochemical variation, residue mobility, and thermodynamic stability) performed at Invitae indicates that this missense variant is not expected to disrupt MYH2 protein function. This variant has not been reported in the literature in individuals affected with MYH2-related conditions.

NM_017534.6(MYH2):c.3156G>A (p.Met1052Ile)

Genes: MYH2 (myosin heavy chain 2; minus strand), MYHAS (myosin heavy chain gene cluster antisense RNA; plus strand). Cytogenetic location: 17p13.1.
Variant type: single nucleotide variant.
Coding change: c.3156G>A on transcript NM_017534.6 (MANE Select); coding-DNA position 3156, G replaced by A.
Protein change: p.Met1052Ile; replaces methionine 1052 with isoleucine.
Molecular consequence: missense variant.
Genome position (GRCh38, 1-based): chr17:10,529,443, C>T on the plus strand (G>A on the coding strand, the complement: MYH2 is on the minus strand). VCF-style: chr17-10529443-C-T. GRCh37 (hg19) VCF-style: chr17-10432760-C-T.
Other names: c.3156G>A, p.Met1052Ile (NM_001100112.2); short protein forms M1052I.
Identifiers: ClinVar variation 1719702 (VCV001719702.6), dbSNP rs2508431236, ClinGen allele CA398138965.